The following is an entry in ClinVar:

ClinVar aggregate classification (germline): Likely pathogenic. Review status: criteria provided, multiple submitters, no conflicts (2 of 4 stars). 2 submissions from 2 submitters: Likely pathogenic (2). Last evaluated 2024-04-06.

Conditions:
Familial hemophagocytic lymphohistiocytosis 3 (FHL3). Also called: UNC13D-Related Familial Hemophagocytic Lymphohistiocytosis (UNC13D-fHLH). Identifiers: Orphanet 540, MedGen C1837174, MONDO:0012146, OMIM 608898.

Allele frequency attached by ClinVar (database versions not stated): gnomAD exomes below 0.00001 and 0.00001; TOPMed 0.00001.

Submissions (2):

Fulgent Genetics
Classification: Likely pathogenic for Familial hemophagocytic lymphohistiocytosis 3. Last evaluated: 2024-04-06. Review status: criteria provided, single submitter. Criteria: ACMG Guidelines, 2015. Collection method: clinical testing. Allele origin: germline.

Labcorp Genetics (formerly Invitae), Labcorp
Classification: Likely pathogenic for Familial hemophagocytic lymphohistiocytosis 3. Last evaluated: 2023-09-19. Review status: criteria provided, single submitter. Criteria: Invitae Variant Classification Sherloc (09022015). Collection method: clinical testing. Allele origin: germline.
Comment: In summary, the currently available evidence indicates that the variant is pathogenic, but additional data are needed to prove that conclusively. Therefore, this variant has been classified as Likely Pathogenic. Algorithms developed to predict the effect of sequence changes on RNA splicing suggest that this variant may disrupt the consensus splice site. ClinVar contains an entry for this variant (Variation ID: 1346097). This variant has not been reported in the literature in individuals affected with UNC13D-related conditions. This variant is present in population databases (no rsID available, gnomAD 0.007%). This sequence change affects a splice site in intron 29 of the UNC13D gene. It is expected to disrupt RNA splicing. Variants that disrupt the donor or acceptor splice site typically lead to a loss of protein function (PMID: 16199547), and loss-of-function variants in UNC13D are known to be pathogenic (PMID: 14622600).

Literature cited by the submitters: PubMed 16199547 (cited by Labcorp Genetics (formerly Invitae), Labcorp); PubMed 14622600 (cited by Labcorp Genetics (formerly Invitae), Labcorp).

NM_199242.3(UNC13D):c.2830+2del

Genes: UNC13D (unc-13 homolog D; minus strand), LOC112533672 (Sharpr-MPRA regulatory region 1193; plus strand). Cytogenetic location: 17q25.1.
Variant type: Deletion.
Coding change: c.2830+2del on transcript NM_199242.3 (MANE Select); the canonical splice donor site of the intron after coding-DNA position 2830, one base deleted (T; older notation c.2830+2delT).
Molecular consequence: splice donor variant.
Genome position (GRCh38, 1-based): chr17:75,830,360, A deleted on the plus strand (T on the coding strand, the reverse complement: UNC13D is on the minus strand). VCF-style (leftmost placement, unchanged base first): chr17-75830359-CA-C. GRCh37 (hg19) VCF-style: chr17-73826440-CA-C.
Identifiers: ClinVar variation 1346097 (VCV001346097.9), dbSNP rs1287388302, ClinGen allele CA627596841.